The following is an entry in ClinVar:

ClinVar aggregate classification (germline): Likely benign. Review status: criteria provided, multiple submitters, no conflicts (2 of 4 stars). 2 submissions from 2 submitters: Likely benign (2). Last evaluated 2025-07-31.

Conditions:
EPS8-related disorder. Also called: EPS8-related condition.

Allele frequency attached by ClinVar (database versions not stated): TOPMed 0.00001; gnomAD 0.00004; gnomAD exomes 0.00008; 1000 Genomes Project 0.00020; ExAC 0.00020; 1000 Genomes Project 30x 0.00031.
gnomAD v4.1: 125 of 1,613,864 alleles (0.0077%); highest among the groups gnomAD compares: South Asian, 0.13%; 1 homozygote.

Submissions (2):

Labcorp Genetics (formerly Invitae), Labcorp
Classification: Likely benign. Last evaluated: 2025-07-31. Review status: criteria provided, single submitter. Criteria: Invitae Variant Classification Sherloc (09022015). Collection method: clinical testing. Allele origin: germline.

PreventionGenetics, part of Exact Sciences
Classification: Likely benign for EPS8-related condition. Last evaluated: 2024-11-27. Review status: criteria provided, single submitter. Criteria: ACMG Guidelines, 2015. Collection method: clinical testing. Allele origin: germline.
Comment: This variant is classified as likely benign based on ACMG/AMP sequence variant interpretation guidelines (Richards et al. 2015 PMID: 25741868, with internal and published modifications).

NM_004447.6(EPS8):c.612T>C (p.Asn204=)

Gene: EPS8 (EGFR pathway substrate 8, signaling adaptor; minus strand). Cytogenetic location: 12p12.3.
Variant type: single nucleotide variant.
Coding change: c.612T>C on transcript NM_004447.6 (MANE Select); coding-DNA position 612, T replaced by C.
Protein change: p.Asn204=; no amino-acid change (asparagine 204 retained).
Molecular consequence: synonymous variant. On other transcripts: non-coding transcript variant (2).
Genome position (GRCh38, 1-based): chr12:15,665,880, A>G on the plus strand (T>C on the coding strand, the complement: EPS8 is on the minus strand). VCF-style: chr12-15665880-A-G. GRCh37 (hg19) VCF-style: chr12-15818814-A-G.
Other names: c.612T>C, p.Asn204= (NM_001413831.1, NM_001413832.1, NM_001413833.1 and 3 more transcripts); c.372T>C, p.Asn124= (NM_001413835.1, NM_001413836.1); c.195T>C, p.Asn65= (NM_001413837.1); c.612T>C (NM_004447.5).
Identifiers: ClinVar variation 2150667 (VCV002150667.5), dbSNP rs562421886, ClinGen allele CA6467808.